The following is an entry in ClinVar:

ClinVar aggregate classification (germline): Uncertain significance. Review status: criteria provided, multiple submitters, no conflicts (2 of 4 stars). 2 submissions from 2 submitters: Uncertain significance (2). Last evaluated 2026-02-01.

Allele frequency attached by ClinVar (database versions not stated): TOPMed below 0.00001; gnomAD exomes 0.00001.
gnomAD v4.1: 10 of 1,613,502 alleles (0.00062%); highest among the groups gnomAD compares: Non-Finnish European, 0.00076%; no homozygotes.

Submissions (2):

Labcorp Genetics (formerly Invitae), Labcorp
Classification: Uncertain significance. Last evaluated: 2026-02-01. Review status: criteria provided, single submitter. Criteria: Invitae Variant Classification Sherloc (09022015). Collection method: clinical testing. Allele origin: germline.
Comment: This sequence change replaces glutamic acid, which is acidic and polar, with alanine, which is neutral and non-polar, at codon 443 of the IKZF1 protein (p.Glu443Ala). This variant is present in population databases (no rsID available, gnomAD 0.002%). This variant has not been reported in the literature in individuals affected with IKZF1-related conditions. ClinVar contains an entry for this variant (Variation ID: 2038742). An algorithm developed to predict the effect of missense changes on protein structure and function (PolyPhen-2) suggests that this variant is likely to be tolerated. In summary, the available evidence is currently insufficient to determine the role of this variant in disease. Therefore, it has been classified as a Variant of Uncertain Significance.

GeneDx
Classification: Uncertain significance. Last evaluated: 2024-12-03. Review status: criteria provided, single submitter. Criteria: GeneDx Variant Classification Process June 2021. Collection method: clinical testing. Allele origin: germline. Affected: yes.
Comment: In silico analysis indicates that this missense variant does not alter protein structure/function; Has not been previously published as pathogenic or benign to our knowledge

NM_006060.6(IKZF1):c.1328A>C (p.Glu443Ala)

Gene: IKZF1 (IKAROS family zinc finger 1; plus strand). Cytogenetic location: 7p12.2.
Variant type: single nucleotide variant.
Coding change: c.1328A>C on transcript NM_006060.6 (MANE Select); coding-DNA position 1328, A replaced by C.
Protein change: p.Glu443Ala; replaces glutamic acid 443 with alanine.
Molecular consequence: missense variant.
Genome position (GRCh38, 1-based): chr7:50,400,395, A>C. VCF-style: chr7-50400395-A-C. GRCh37 (hg19) VCF-style: chr7-50468093-A-C.
Other names: c.1328A>C (NM_006060.5); c.1202A>C, p.Glu401Ala (NM_001220765.3, NM_001291837.2); c.1037A>C, p.Glu346Ala (NM_001220767.2); c.1067A>C, p.Glu356Ala (NM_001220768.2, NM_001291838.2); c.911A>C, p.Glu304Ala (NM_001220770.2); c.899A>C, p.Glu300Ala (NM_001220771.2, NM_001291841.1); c.941A>C, p.Glu314Ala (NM_001291839.2); c.638A>C, p.Glu213Ala (NM_001291840.1); and 4 more; short protein forms E300A, E356A, E346A, E401A, E463A, E248A, E290A, E314A.
Identifiers: ClinVar variation 2038742 (VCV002038742.5), dbSNP rs1562913723, ClinGen allele CA367524918.